The following is an entry in ClinVar:

NM_001257291.2(SLC9A7):c.88G>A (p.Gly30Ser)

Genes: SLC9A7 (solute carrier family 9 member A7; minus strand), LOC130068197 (ATAC-STARR-seq lymphoblastoid silent region 20793; plus strand). Cytogenetic location: Xp11.3.
Variant type: single nucleotide variant.
Coding change: c.88G>A on transcript NM_001257291.2 (MANE Select); coding-DNA position 88, G replaced by A.
Protein change: p.Gly30Ser; replaces glycine 30 with serine.
Molecular consequence: missense variant.
Genome position (GRCh38, 1-based): chrX:46,758,942, C>T on the plus strand (G>A on the coding strand, the complement: SLC9A7 is on the minus strand). VCF-style: chrX-46758942-C-T. GRCh37 (hg19) VCF-style: chrX-46618377-C-T.
Other names: c.88G>A, p.Gly30Ser (NM_032591.3); short protein forms G30S.
Identifiers: ClinVar variation 4681169 (VCV004681169.1).

ClinVar aggregate classification (germline): Uncertain significance (1 of 4 stars; one submission).

gnomAD v4.1: 1 of 1,098,068 alleles (0.000091%); highest among the groups gnomAD compares: Non-Finnish European, 0.00012%; no homozygotes.

Submission:

GeneDx
Classification: Uncertain significance. Last evaluated: 2025-07-03. Review status: criteria provided, single submitter. Criteria: GeneDx Variant Classification Process June 2021. Collection method: clinical testing. Allele origin: germline. Affected: yes.
Comment: Has not been previously published as pathogenic or benign to our knowledge; Not observed at significant frequency in large population cohorts (gnomAD); In silico analysis suggests that this missense variant does not alter protein structure/function